The following is an entry in ClinVar:

ClinVar aggregate classification (germline): Likely pathogenic (1 of 4 stars; one submission).

Conditions:
Glycogen storage disease IXb (GSD9B). Also called: GLYCOGENOSIS OF LIVER AND MUSCLE, AUTOSOMAL RECESSIVE; GSD IXb; PHOSPHORYLASE KINASE DEFICIENCY OF LIVER AND MUSCLE, AUTOSOMAL RECESSIVE. Identifiers: Orphanet 79240, MedGen C0543514, MONDO:0009868, OMIM 261750.

Allele frequency attached by ClinVar (database versions not stated): gnomAD 0.00001; TOPMed 0.00001.

Submission:

Labcorp Genetics (formerly Invitae), Labcorp
Classification: Likely pathogenic for Glycogen storage disease IXb. Last evaluated: 2024-03-05. Review status: criteria provided, single submitter. Criteria: Invitae Variant Classification Sherloc (09022015). Collection method: clinical testing. Allele origin: germline.
Comment: The PHKB gene has multiple clinically relevant transcripts. This variant occurs in alternate transcript NM_001031835.2, and corresponds to NM_000293.2:c.2427+1052_2427+1083del in the primary transcript. This variant results in the deletion of part of exon 26 (c.2401_2406+26del) of the PHKB gene. It is expected to disrupt RNA splicing. Variants that disrupt the donor or acceptor splice site typically lead to a loss of protein function (PMID: 16199547), and loss-of-function variants in PHKB are known to be pathogenic (PMID: 9215682, 9326319). This variant is not present in population databases (gnomAD no frequency). This variant has not been reported in the literature in individuals affected with PHKB-related conditions. In summary, the currently available evidence indicates that the variant is pathogenic, but additional data are needed to prove that conclusively. Therefore, this variant has been classified as Likely Pathogenic.

Literature cited by the submitters: PubMed 16199547; PubMed 9215682; PubMed 9326319.

NM_000293.3(PHKB):c.2427+1052_2427+1083del

Gene: PHKB (phosphorylase kinase regulatory subunit beta; plus strand). Cytogenetic location: 16q12.1.
Variant type: Deletion.
Coding change: c.2427+1052_2427+1083del on transcript NM_000293.3 (MANE Select); bases 1052 to 1083 of the intron after coding-DNA position 2427, 32 bases deleted.
Molecular consequence: intron variant. On other transcripts: splice donor variant (2).
Genome position (GRCh38, 1-based): chr16:47,666,027-47,666,058, 32 bases deleted. GRCh37 (hg19): chr16:47,699,938-47,699,969.
Other names: c.2422_2427+26del (NM_001363837.1); c.2401_2406+26del (NM_001031835.3).
Identifiers: ClinVar variation 3012240 (VCV003012240.3), dbSNP rs1973532430, ClinGen allele CA977048373.